The following is an entry in ClinVar:

ClinVar aggregate classification (germline): Uncertain significance (1 of 4 stars; one submission).

Conditions:
Hereditary cancer-predisposing syndrome. Also called: Neoplastic Syndromes, Hereditary; Hereditary Cancer Syndrome; Tumor predisposition; Hereditary neoplastic syndrome. Identifiers: Orphanet 140162, MedGen C0027672, MeSH D009386, MONDO:0015356.

Submission:

Ambry Genetics
Classification: Uncertain significance for Hereditary cancer-predisposing syndrome. Last evaluated: 2024-12-29. Review status: criteria provided, single submitter. Criteria: Ambry Variant Classification Scheme 2023. Collection method: clinical testing. Allele origin: germline.
Comment: The p.S1087Y variant (also known as c.3260C>A), located in coding exon 26 of the POLE gene, results from a C to A substitution at nucleotide position 3260. The serine at codon 1087 is replaced by tyrosine, an amino acid with dissimilar properties. This amino acid position is conserved. In addition, the in silico prediction for this alteration is inconclusive. Based on the available evidence, the clinical significance of this variant remains unclear.

NM_006231.4(POLE):c.3260C>A (p.Ser1087Tyr)

Gene: POLE (DNA polymerase epsilon, catalytic subunit; minus strand). Cytogenetic location: 12q24.33.
Variant type: single nucleotide variant.
Coding change: c.3260C>A on transcript NM_006231.4 (MANE Select); coding-DNA position 3260, C replaced by A.
Protein change: p.Ser1087Tyr; replaces serine 1087 with tyrosine.
Molecular consequence: missense variant.
Genome position (GRCh38, 1-based): chr12:132,659,310, G>T on the plus strand (C>A on the coding strand, the complement: POLE is on the minus strand). VCF-style: chr12-132659310-G-T. GRCh37 (hg19) VCF-style: chr12-133235896-G-T.
Other names: short protein forms S1087Y.
Identifiers: ClinVar variation 3781541 (VCV003781541.1).
Genomic context (GRCh38, chr12:132,659,310, plus strand): 5'-TGATGGGAGGAGCCCTCACCTCTCCGTGATGGGGGGAGCCCTCACCTCTCCGTGACAGGG[G>T]AGCCCTCGGGCTTGCGGGAGATGATGTAGCGGCAACTCAGCCCTGCATCCTTGACCATCT-3'
Protein context (NP_006222.2, residues 1077-1097): RYIISRKPEG[Ser1087Tyr]PVTERAIPLA